The following is an entry in ClinVar:

ClinVar aggregate classification (germline): Uncertain significance (1 of 4 stars; one submission).

Allele frequency attached by ClinVar (database versions not stated): gnomAD exomes 0.00001; TOPMed 0.00002; gnomAD 0.00001.
gnomAD v4.1: 10 of 1,614,086 alleles (0.00062%); highest among the groups gnomAD compares: Admixed American, 0.0083%; no homozygotes.

Submission:

Labcorp Genetics (formerly Invitae), Labcorp
Classification: Uncertain significance. Last evaluated: 2023-09-06. Review status: criteria provided, single submitter. Criteria: Invitae Variant Classification Sherloc (09022015). Collection method: clinical testing. Allele origin: germline.
Comment: An algorithm developed to predict the effect of missense changes on protein structure and function (PolyPhen-2) suggests that this variant is likely to be tolerated. This variant has not been reported in the literature in individuals affected with A2ML1-related conditions. This variant is not present in population databases (gnomAD no frequency). This sequence change replaces serine, which is neutral and polar, with leucine, which is neutral and non-polar, at codon 526 of the A2ML1 protein (p.Ser526Leu). In summary, the available evidence is currently insufficient to determine the role of this variant in disease. Therefore, it has been classified as a Variant of Uncertain Significance.

NM_144670.6(A2ML1):c.1577C>T (p.Ser526Leu)

Gene: A2ML1 (alpha-2-macroglobulin like 1; plus strand). Cytogenetic location: 12p13.31.
Variant type: single nucleotide variant.
Coding change: c.1577C>T on transcript NM_144670.6 (MANE Select); coding-DNA position 1577, C replaced by T.
Protein change: p.Ser526Leu; replaces serine 526 with leucine.
Molecular consequence: missense variant.
Genome position (GRCh38, 1-based): chr12:8,846,116, C>T. VCF-style: chr12-8846116-C-T. GRCh37 (hg19) VCF-style: chr12-8998712-C-T.
Other names: c.104C>T, p.Ser35Leu (NM_001282424.3); short protein forms S35L, S526L.
Identifiers: ClinVar variation 2712222 (VCV002712222.3), dbSNP rs1160627568, ClinGen allele CA383827264.